The following is an entry in ClinVar:

NM_004333.6(BRAF):c.2209G>A (p.Gly737Ser)

Gene: BRAF (B-Raf proto-oncogene, serine/threonine kinase; minus strand). Cytogenetic location: 7q34.
Variant type: single nucleotide variant.
Coding change: c.2209G>A on transcript NM_004333.6 (MANE Select); coding-DNA position 2209, G replaced by A.
Protein change: p.Gly737Ser; replaces glycine 737 with serine.
Molecular consequence: missense variant. On other transcripts: intron variant (2).
Genome position (GRCh38, 1-based): chr7:140,734,689, C>T on the plus strand (G>A on the coding strand, the complement: BRAF is on the minus strand). VCF-style: chr7-140734689-C-T. GRCh37 (hg19) VCF-style: chr7-140434489-C-T.
Other names: c.2209G>A, p.Gly737Ser (NM_001354609.2); c.2329G>A, p.Gly777Ser (NM_001374244.1, NM_001374258.1); c.2218G>A, p.Gly740Ser (NM_001378467.1); c.2143G>A, p.Gly715Ser (NM_001378469.1); c.2107G>A, p.Gly703Ser (NM_001378470.1); c.2098G>A, p.Gly700Ser (NM_001378471.1); c.2053G>A, p.Gly685Ser (NM_001378472.1, NM_001378473.1); c.1945G>A, p.Gly649Ser (NM_001378475.1); and 1 more; short protein forms G649S, G685S, G700S, G703S, G715S, G737S, G740S, G777S.
Identifiers: ClinVar variation 4856330 (VCV004856330.1).
Genomic context (GRCh38, chr7:140,734,689, plus strand): 5'-CCTGGATGGGTGTTTTTGGAGAAGCACAAGCATATAGACTAAAATCCTCTGTTTGGAAAC[C>T]AGCCCGATTCAAGGAGGGTTCTGATGCACTGCGGTGAATTTTTGGCAATGAGCGGGCCAG-3'
Protein context (NP_004324.2, residues 727-747): SASEPSLNRA[Gly737Ser]FQTEDFSLYA

ClinVar aggregate classification (germline): Uncertain significance (1 of 4 stars; one submission).

Conditions:
BRAF-related disorder. Also called: BRAF-related condition.

Submission:

3billion
Classification: Uncertain significance for BRAF-related disorder. Last evaluated: 2025-09-25. Review status: criteria provided, single submitter. Criteria: ACMG Guidelines, 2015. Collection method: clinical testing. Allele origin: germline. Affected: yes.
Comment: The variant is not observed in the gnomAD v4.1.0 dataset. Predicted Consequence/Location: Missense variant. Missense changes are a common disease-causing mechanism. In silico tool predictions suggest damaging effect of the variant on gene or gene product [3Cnet: 0.96 (> 0.75, sensitivity 0.96 and precision 0.92)]. Therefore, this variant is classified as VUS according to the recommendation of ACMG/AMP guideline.